The following is an entry in ClinVar:

ClinVar aggregate classification (germline): Uncertain significance (1 of 4 stars; one submission).

Conditions:
T-cell immunodeficiency, congenital alopecia, and nail dystrophy. Also called: Congenital alopecia and nail dystrophy associated with severe functional T-cell immunodeficiency; Pignata Guarino syndrome. Identifiers: Orphanet 169095, MedGen C1866426, MONDO:0011132, OMIM 601705.

Submission:

Labcorp Genetics (formerly Invitae), Labcorp
Classification: Uncertain significance for T-cell immunodeficiency, congenital alopecia, and nail dystrophy. Last evaluated: 2025-04-01. Review status: criteria provided, single submitter. Criteria: Invitae Variant Classification Sherloc (09022015). Collection method: clinical testing. Allele origin: germline.
Comment: This sequence change replaces glutamine, which is neutral and polar, with glutamic acid, which is acidic and polar, at codon 474 of the FOXN1 protein (p.Gln474Glu). This variant is not present in population databases (gnomAD no frequency). This variant has not been reported in the literature in individuals affected with FOXN1-related conditions. Invitae Evidence Modeling of protein sequence and biophysical properties (such as structural, functional, and spatial information, amino acid conservation, physicochemical variation, residue mobility, and thermodynamic stability) indicates that this missense variant is not expected to disrupt FOXN1 protein function with a negative predictive value of 80%. In summary, the available evidence is currently insufficient to determine the role of this variant in disease. Therefore, it has been classified as a Variant of Uncertain Significance.

NM_001369369.1(FOXN1):c.1420C>G (p.Gln474Glu)

Gene: FOXN1 (forkhead box N1; plus strand). Cytogenetic location: 17q11.2.
Variant type: single nucleotide variant.
Coding change: c.1420C>G on transcript NM_001369369.1 (MANE Select); coding-DNA position 1420, C replaced by G.
Protein change: p.Gln474Glu; replaces glutamine 474 with glutamic acid.
Molecular consequence: missense variant.
Genome position (GRCh38, 1-based): chr17:28,534,991, C>G. VCF-style: chr17-28534991-C-G. GRCh37 (hg19) VCF-style: chr17-26862009-C-G.
Other names: c.1420C>G, p.Gln474Glu (NM_003593.3); short protein forms Q474E.
Identifiers: ClinVar variation 4696054 (VCV004696054.1).